The following is an entry in ClinVar:

NM_003193.5(TBCE):c.353C>G (p.Ser118Cys)

Gene: TBCE (tubulin folding cofactor E; plus strand). Cytogenetic location: 1q42.3.
Variant type: single nucleotide variant.
Coding change: c.353C>G on transcript NM_003193.5 (MANE Select); coding-DNA position 353, C replaced by G.
Protein change: p.Ser118Cys; replaces serine 118 with cysteine.
Molecular consequence: missense variant. On other transcripts: 5 prime UTR variant (1).
Genome position (GRCh38, 1-based): chr1:235,414,600, C>G. VCF-style: chr1-235414600-C-G. GRCh37 (hg19) VCF-style: chr1-235577915-C-G.
Other names: c.353C>G, p.Ser118Cys (NM_001079515.3, NM_001287801.2); c.-43C>G (NM_001287802.2); short protein forms S118C.
Identifiers: ClinVar variation 2132130 (VCV002132130.4), dbSNP rs2526938900, ClinGen allele CA344924198.
Genomic context (GRCh38, chr1:235,414,600, plus strand): 5'-ATAGAAAAGAGCAAATTGTTACAATTGGAAATAAACCTGTGGAGACTATCGGTTTTGACT[C>G]TATTATGAAACAGCAAAGGTAAGTGGAGTTTATAACGGCAGAGCTGACTTTTATGGTTTT-3'
Protein context (NP_003184.1, residues 108-128): NKPVETIGFD[Ser118Cys]IMKQQSQLSK

ClinVar aggregate classification (germline): Uncertain significance (1 of 4 stars; one submission).

Submission:

Labcorp Genetics (formerly Invitae), Labcorp
Classification: Uncertain significance. Last evaluated: 2022-11-18. Review status: criteria provided, single submitter. Criteria: Invitae Variant Classification Sherloc (09022015). Collection method: clinical testing. Allele origin: germline.
Comment: In summary, the available evidence is currently insufficient to determine the role of this variant in disease. Therefore, it has been classified as a Variant of Uncertain Significance. Advanced modeling of protein sequence and biophysical properties (such as structural, functional, and spatial information, amino acid conservation, physicochemical variation, residue mobility, and thermodynamic stability) has been performed at Invitae for this missense variant, however the output from this modeling did not meet the statistical confidence thresholds required to predict the impact of this variant on TBCE protein function. This variant has not been reported in the literature in individuals affected with TBCE-related conditions. This variant is not present in population databases (gnomAD no frequency). This sequence change replaces serine, which is neutral and polar, with cysteine, which is neutral and slightly polar, at codon 118 of the TBCE protein (p.Ser118Cys).